The following is an entry in ClinVar:

NM_002772.3(TMPRSS15):c.1623C>A (p.Asn541Lys)

Gene: TMPRSS15 (transmembrane serine protease 15; minus strand). Cytogenetic location: 21q21.1.
Variant type: single nucleotide variant.
Coding change: c.1623C>A on transcript NM_002772.3 (MANE Select); coding-DNA position 1623, C replaced by A.
Protein change: p.Asn541Lys; replaces asparagine 541 with lysine.
Molecular consequence: missense variant.
Genome position (GRCh38, 1-based): chr21:18,332,115, G>T on the plus strand (C>A on the coding strand, the complement: TMPRSS15 is on the minus strand). VCF-style: chr21-18332115-G-T. GRCh37 (hg19) VCF-style: chr21-19704432-G-T.
Other names: c.1758C>A, p.Asn586Lys (NM_001428056.1); c.1623C>A, p.Asn541Lys (NM_001428057.1); short protein forms N541K, N586K.
Identifiers: ClinVar variation 4076262 (VCV004076262.1).

ClinVar aggregate classification (germline): Uncertain significance (1 of 4 stars; one submission).

Conditions:
Enterokinase deficiency. Also called: Congenital enteropathy due to enteropeptidase deficiency; ENTEROPEPTIDASE DEFICIENCY; Deficiency of enteropeptidase. Identifiers: Orphanet 168601, MedGen C0268416, MONDO:0009173, OMIM 226200.

gnomAD v4.1: 8 of 1,613,960 alleles (0.0005%); highest among the groups gnomAD compares: Admixed American, 0.0033%; no homozygotes.

Submission:

Laboratorio de Genetica e Diagnostico Molecular, Hospital Israelita Albert Einstein
Classification: Uncertain significance for Enterokinase deficiency. Last evaluated: 2022-10-31. Review status: criteria provided, single submitter. Criteria: ACMG Guidelines, 2015. Collection method: clinical testing. Allele origin: germline. Affected: yes.
Comment: ACMG classification criteria: PM2 moderate, BP4 supporting